The following is an entry in ClinVar:

NM_017780.4(CHD7):c.6746A>G (p.Asp2249Gly)

Gene: CHD7 (chromodomain helicase DNA binding protein 7; plus strand). Cytogenetic location: 8q12.2.
Variant type: single nucleotide variant.
Coding change: c.6746A>G on transcript NM_017780.4 (MANE Select); coding-DNA position 6746, A replaced by G.
Protein change: p.Asp2249Gly; replaces aspartic acid 2249 with glycine.
Molecular consequence: missense variant. On other transcripts: intron variant (1).
Genome position (GRCh38, 1-based): chr8:60,853,471, A>G. VCF-style: chr8-60853471-A-G. GRCh37 (hg19) VCF-style: chr8-61766030-A-G.
Other names: c.1717-8758A>G (NM_001316690.1); short protein forms D2249G.
Identifiers: ClinVar variation 2446300 (VCV002446300.4), dbSNP rs958139703, ClinGen allele CA177354224.

ClinVar aggregate classification (germline): Uncertain significance. Review status: criteria provided, multiple submitters, no conflicts (2 of 4 stars). 3 submissions from 3 submitters: Uncertain significance (3). Last evaluated 2025-07-29.

Conditions:
CHARGE syndrome (CHARGE). Also called: Hittner Hirsch Kreh syndrome; CHARGE ASSOCIATION--COLOBOMA, HEART ANOMALY, CHOANAL ATRESIA, RETARDATION, GENITAL AND EAR ANOMALIES; Coloboma, heart anomaly, choanal atresia, retardation, genital and ear anomalies; CHARGE association; Hall-Hittner syndrome. Identifiers: Orphanet 138, MedGen C0265354, MONDO:0008965.

Allele frequency attached by ClinVar (database versions not stated): gnomAD exomes below 0.00001; gnomAD 0.00001.
gnomAD v4.1: 6 of 1,516,932 alleles (0.0004%); highest among the groups gnomAD compares: Non-Finnish European, 0.00053%; no homozygotes.

Submissions (3):

Labcorp Genetics (formerly Invitae), Labcorp
Classification: Uncertain significance for CHARGE syndrome. Last evaluated: 2025-07-29. Review status: criteria provided, single submitter. Criteria: Invitae Variant Classification Sherloc (09022015). Collection method: clinical testing. Allele origin: germline.
Comment: This sequence change replaces aspartic acid, which is acidic and polar, with glycine, which is neutral and non-polar, at codon 2249 of the CHD7 protein (p.Asp2249Gly). This variant is not present in population databases (gnomAD no frequency). This variant has not been reported in the literature in individuals affected with CHD7-related conditions. ClinVar contains an entry for this variant (Variation ID: 2446300). Invitae Evidence Modeling of protein sequence and biophysical properties (such as structural, functional, and spatial information, amino acid conservation, physicochemical variation, residue mobility, and thermodynamic stability) indicates that this missense variant is not expected to disrupt CHD7 protein function with a negative predictive value of 95%. Algorithms developed to predict the effect of sequence changes on RNA splicing suggest that this variant may disrupt the consensus splice site. In summary, the available evidence is currently insufficient to determine the role of this variant in disease. Therefore, it has been classified as a Variant of Uncertain Significance.

Dasa
Classification: Uncertain significance. Last evaluated: 2024-11-14. Review status: criteria provided, single submitter. Criteria: DASA Assertion Criteria. Collection method: clinical testing. Allele origin: germline.
Comment: NM_017780.4(CHD7):c.6746A>G (p.Asp2249Gly) is a missense variant that results in the substitution of aspartic acid with glycine. Multiple computational predictions suggest no deleterious effect on the gene or gene product. The variant is present at low frequency in population datasets. Based on the available data, this variant is classified as variant of uncertain significance.

GeneDx
Classification: Uncertain significance. Last evaluated: 2022-09-26. Review status: criteria provided, single submitter. Criteria: GeneDx Variant Classification Process June 2021. Collection method: clinical testing. Allele origin: germline. Affected: yes.
Comment: Not observed at significant frequency in large population cohorts (gnomAD); In silico analysis supports a deleterious effect on splicing; In silico analysis supports that this missense variant does not alter protein structure/function; Has not been previously published as pathogenic or benign to our knowledge